The following is an entry in ClinVar:

ClinVar aggregate classification (somatic clinical impact): Tier I - Strong (1 of 4 stars; one submission).

Conditions:
Low grade glioma. Identifiers: MedGen C1997217, MONDO:0021637.

Submission:

Institute for Genomic Medicine (IGM) Clinical Laboratory, Nationwide Children's Hospital
Classification: Tier I - Strong for Low grade glioma. Assertion type: diagnostic. Clinical significance: supports diagnosis. Last evaluated: 2023-08-11. Review status: criteria provided, single submitter. Criteria: AMP/ASCO/CAP Guidelines, 2017. Collection method: clinical testing. Allele origin: somatic. Affected: yes.
Comment: Variant has Tier I (strong) clinical significance as a diagnostic inclusion criterion in low grade glioma, based on the following evidence: 1) Documented in one or more cancer databases (e.g., St. Jude Pecan, COSMIC, CIViC, OncoKB). 2) Diagnostic for a specific tumor type/classification according to professional guidelines (Evidence Level A; PMIDs: 32289278, 28912153, 29880043, 23817572, 26810070, 31250151, 32859279).

Literature cited by the submitters: PubMed 32289278; PubMed 28912153; PubMed 29880043; PubMed 23817572; PubMed 26810070; PubMed 31250151; PubMed 32859279.

NM_023110.3(FGFR1):c.1955A>G (p.Asp652Gly)

Gene: FGFR1 (fibroblast growth factor receptor 1; minus strand). Cytogenetic location: 8p11.23.
Variant type: single nucleotide variant.
Coding change: c.1955A>G on transcript NM_023110.3 (MANE Select); coding-DNA position 1955, A replaced by G.
Protein change: p.Asp652Gly; replaces aspartic acid 652 with glycine.
Molecular consequence: missense variant.
Genome position (GRCh38, 1-based): chr8:38,414,801, T>C on the plus strand (A>G on the coding strand, the complement: FGFR1 is on the minus strand). VCF-style: chr8-38414801-T-C. GRCh37 (hg19) VCF-style: chr8-38272319-T-C.
Other names: c.1949A>G, p.Asp650Gly (NM_001174063.2, NM_001174065.2, NM_001354367.2 and 1 more transcripts); c.1925A>G, p.Asp642Gly (NM_001174064.2); c.1688A>G, p.Asp563Gly (NM_001174066.2, NM_023105.3); c.2048A>G, p.Asp683Gly (NM_001174067.2); c.1676A>G, p.Asp559Gly (NM_001354368.2); c.1943A>G, p.Asp648Gly (NM_001354369.2, NM_001410922.1); c.1682A>G, p.Asp561Gly (NM_001354370.2, NM_023106.3); short protein forms D559G, D561G, D563G, D642G, D648G, D650G, D652G, D683G.
Identifiers: ClinVar variation 4530548 (VCV004530548.1).